The following is an entry in ClinVar:

ClinVar aggregate classification (germline): Uncertain significance (1 of 4 stars; one submission).

Conditions:
Metachromatic leukodystrophy (MLD). Also called: METACHROMATIC LEUKOENCEPHALOPATHY; Cerebral sclerosis diffuse metachromatic form; Arylsulfatase A Deficiency; SULFATIDE LIPIDOSIS; ARSA DEFICIENCY; CEREBROSIDE SULFATASE DEFICIENCY. Identifiers: Orphanet 512, MedGen C0023522, MONDO:0018868, OMIM 250100.

Allele frequency attached by ClinVar (database versions not stated): gnomAD 0.00001.
gnomAD v4.1: 9 of 1,558,634 alleles (0.00058%); highest among the groups gnomAD compares: Non-Finnish European, 0.0007%; no homozygotes.

Submission:

Myriad Genetics, Inc.
Classification: Uncertain significance for Metachromatic leukodystrophy. Last evaluated: 2025-10-08. Review status: criteria provided, single submitter. Criteria: Myriad Autosomal Dominant, Autosomal Recessive and X-Linked Classification Criteria (2023). Collection method: clinical testing. Allele origin: unknown.
Comment: NM_000487.5(ARSA):c.115G>A(G39S) is a missense variant classified as a variant of uncertain significance in the context of metachromatic leukodystrophy. G39S has been observed in a case with relevant disease (PMID: 31922725). Relevant functional assessments of this variant are available in the literature (PMID: 37480112). G39S has been observed in referenced population frequency databases. In summary, there is insufficient evidence to classify NM_000487.5(ARSA):c.115G>A(G39S) as pathogenic or benign. Please note: this variant was assessed in the context of healthy population screening.

Literature cited by the submitters: PubMed 31922725; PubMed 37480112.

NM_000487.6(ARSA):c.115G>A (p.Gly39Ser)

Gene: ARSA (arylsulfatase A; minus strand). Cytogenetic location: 22q13.33.
Variant type: single nucleotide variant.
Coding change: c.115G>A on transcript NM_000487.6 (MANE Select); coding-DNA position 115, G replaced by A.
Protein change: p.Gly39Ser; replaces glycine 39 with serine.
Molecular consequence: missense variant. On other transcripts: intron variant (2).
Genome position (GRCh38, 1-based): chr22:50,627,665, C>T on the plus strand (G>A on the coding strand, the complement: ARSA is on the minus strand). VCF-style: chr22-50627665-C-T. GRCh37 (hg19) VCF-style: chr22-51066093-C-T.
Other names: c.115G>A, p.Gly39Ser (NM_001085425.3, NM_001085426.3, NM_001085427.3); c.-34-259G>A (NM_001362782.2, NM_001085428.3); short protein forms G39S.
Identifiers: ClinVar variation 5003435 (VCV005003435.1), dbSNP rs752949477.